The following is an entry in ClinVar:

NM_000127.3(EXT1):c.595A>G (p.Thr199Ala)

Gene: EXT1 (exostosin glycosyltransferase 1; minus strand). Cytogenetic location: 8q24.11.
Variant type: single nucleotide variant.
Coding change: c.595A>G on transcript NM_000127.3 (MANE Select); coding-DNA position 595, A replaced by G.
Protein change: p.Thr199Ala; replaces threonine 199 with alanine.
Molecular consequence: missense variant.
Genome position (GRCh38, 1-based): chr8:118,110,452, T>C on the plus strand (A>G on the coding strand, the complement: EXT1 is on the minus strand). VCF-style: chr8-118110452-T-C. GRCh37 (hg19) VCF-style: chr8-119122691-T-C.
Other names: short protein forms T199A.
Identifiers: ClinVar variation 1038800 (VCV001038800.8), dbSNP rs1817876310, ClinGen allele CA371915489.

ClinVar aggregate classification (germline): Uncertain significance (1 of 4 stars; one submission).

Conditions:
Multiple congenital exostosis (EXT). Also called: Hereditary multiple exostoses; Hereditary multiple exostosis; Multiple osteochondromas; MULTIPLE CARTILAGINOUS EXOSTOSES; Hereditary multiple osteochondromas; Multiple exostoses. Identifiers: Orphanet 321, MedGen C0015306, MONDO:0005508, HP:0002762.

Allele frequency attached by ClinVar (database versions not stated): gnomAD exomes below 0.00001.
gnomAD v4.1: 1 of 1,614,172 alleles (0.000062%); highest among the groups gnomAD compares: Non-Finnish European, 0.000085%; no homozygotes.

Submission:

Labcorp Genetics (formerly Invitae), Labcorp
Classification: Uncertain significance for Multiple congenital exostosis. Last evaluated: 2021-07-19. Review status: criteria provided, single submitter. Criteria: Invitae Variant Classification Sherloc (09022015). Collection method: clinical testing. Allele origin: germline.
Comment: In summary, the available evidence is currently insufficient to determine the role of this variant in disease. Therefore, it has been classified as a Variant of Uncertain Significance. Algorithms developed to predict the effect of missense changes on protein structure and function are either unavailable or do not agree on the potential impact of this missense change (SIFT: "Deleterious"; PolyPhen-2: "Probably Damaging"; Align-GVGD: "Class C0"). This variant has not been reported in the literature in individuals with EXT1-related conditions. This variant is not present in population databases (ExAC no frequency). This sequence change replaces threonine with alanine at codon 199 of the EXT1 protein (p.Thr199Ala). The threonine residue is highly conserved and there is a small physicochemical difference between threonine and alanine.